The following is an entry in ClinVar:

ClinVar aggregate classification (germline): Benign (1 of 4 stars; one submission).

Conditions:
Erythrocytosis, familial, 4 (ECYT4). Identifiers: Orphanet 247511, MedGen C2673187, MONDO:0012729, OMIM 611783.

Allele frequency attached by ClinVar (database versions not stated): 1000 Genomes Project 30x 0.00297; TOPMed 0.00298; gnomAD 0.00248; 1000 Genomes Project 0.00260.

Submission:

Illumina Laboratory Services, Illumina
Classification: Benign for Erythrocytosis, familial, 4. Last evaluated: 2018-01-13. Review status: criteria provided, single submitter. Criteria: ICSL Variant Classification Criteria 13 December 2019. Collection method: clinical testing. Allele origin: germline.
Comment: This variant was observed in the ICSL laboratory as part of a predisposition screen in an ostensibly healthy population. It had not been previously curated by ICSL or reported in the Human Gene Mutation Database (HGMD: prior to June 1st, 2018), and was therefore a candidate for classification through an automated scoring system. Utilizing variant allele frequency, disease prevalence and penetrance estimates, and inheritance mode, an automated score was calculated to assess if this variant is too frequent to cause the disease. Based on the score and internal cut-off values, a variant classified as benign is not then subjected to further curation. The score for this variant resulted in a classification of benign for this disease.

NM_001430.5(EPAS1):c.*1614C>T

Gene: EPAS1 (endothelial PAS domain protein 1; plus strand). Cytogenetic location: 2p21.
Variant type: single nucleotide variant.
Coding change: c.*1614C>T on transcript NM_001430.5 (MANE Select); 1614 bases downstream of the stop codon, C replaced by T.
Molecular consequence: 3 prime UTR variant.
Genome position (GRCh38, 1-based): chr2:46,386,274, C>T. VCF-style: chr2-46386274-C-T. GRCh37 (hg19) VCF-style: chr2-46613413-C-T.
Identifiers: ClinVar variation 336317 (VCV000336317.5), dbSNP rs112500820, ClinGen allele CA10613512.